The following is an entry in ClinVar:

NM_000709.4(BCKDHA):c.15C>T (p.Ile5=)

Gene: BCKDHA (branched chain keto acid dehydrogenase E1 subunit alpha; plus strand). Cytogenetic location: 19q13.2.
Variant type: single nucleotide variant.
Coding change: c.15C>T on transcript NM_000709.4 (MANE Select); coding-DNA position 15, C replaced by T.
Protein change: p.Ile5=; no amino-acid change (isoleucine 5 retained).
Molecular consequence: synonymous variant.
Genome position (GRCh38, 1-based): chr19:41,397,842, C>T. VCF-style: chr19-41397842-C-T. GRCh37 (hg19) VCF-style: chr19-41903747-C-T.
Other names: c.15C>T, p.Ile5= (NM_001164783.2).
Identifiers: ClinVar variation 385661 (VCV000385661.46), dbSNP rs17173144, ClinGen allele CA9460961.

ClinVar aggregate classification (germline): Benign/Likely benign. Review status: criteria provided, multiple submitters, no conflicts (2 of 4 stars). 9 submissions from 9 submitters: Benign (1); Likely benign (7). 1 of the submissions does not count toward it. Last evaluated 2026-02-02.

Conditions:
Inborn genetic diseases. Identifiers: MedGen C0950123, MeSH D030342.
Maple syrup urine disease type 1A (MSUD1A). Also called: MSUD type 1A. Identifiers: MedGen C1855369, MONDO:0023691, OMIM 248600.
Maple syrup urine disease (MSUD). Identifiers: Orphanet 511, MedGen C0024776, MeSH D008375, MONDO:0009563. Disease mechanism: loss of function.

Allele frequency attached by ClinVar (database versions not stated): ESP Exome Variant Server 0.00031; TOPMed 0.00053; gnomAD exomes 0.00103; ExAC 0.00108; 1000 Genomes Project 30x 0.00375; 1000 Genomes Project 0.00439.

Submissions (9):

Labcorp Genetics (formerly Invitae), Labcorp
Classification: Benign for Maple syrup urine disease. Last evaluated: 2026-02-02. Review status: criteria provided, single submitter. Criteria: Invitae Variant Classification Sherloc (09022015). Collection method: clinical testing. Allele origin: germline.

Blueprint Genetics
Classification: Likely benign. Last evaluated: 2024-11-18. Review status: criteria provided, single submitter. Criteria: ACMG Guidelines, 2015. Collection method: clinical testing. Allele origin: germline.

CeGaT Center for Human Genetics Tuebingen
Classification: Likely benign. Last evaluated: 2023-03-01. Review status: criteria provided, single submitter. Criteria: CeGaT Center For Human Genetics Tuebingen Variant Classification Criteria Version 2. Collection method: clinical testing. Allele origin: germline. Affected: yes. Observed: 2 variant alleles.
Comment: BCKDHA: BP4, BP7

Fulgent Genetics
Classification: Likely benign for Maple syrup urine disease type 1A. Last evaluated: 2022-04-13. Review status: criteria provided, single submitter. Criteria: ACMG Guidelines, 2015. Collection method: clinical testing. Allele origin: unknown.

Ambry Genetics
Classification: Likely benign for Inborn genetic diseases. Last evaluated: 2022-02-20. Review status: criteria provided, single submitter. Criteria: Ambry Variant Classification Scheme 2023. Collection method: clinical testing. Allele origin: germline.

Eurofins Ntd Llc (ga)
Classification: Likely benign. Last evaluated: 2018-03-20. Review status: criteria provided, single submitter. Criteria: EGL ClinVar v180209 classification definitions. Collection method: clinical testing. Allele origin: germline. Observed: 1 variant allele, 1 heterozygote.

GeneDx
Classification: Likely benign. Last evaluated: 2018-01-25. Review status: criteria provided, single submitter. Criteria: GeneDx Variant Classification (06012015). Collection method: clinical testing. Allele origin: germline. Affected: yes.
Comment: This variant is considered likely benign or benign based on one or more of the following criteria: it is a conservative change, it occurs at a poorly conserved position in the protein, it is predicted to be benign by multiple in silico algorithms, and/or has population frequency not consistent with disease.

Illumina Laboratory Services, Illumina
Classification: Likely benign for Maple syrup urine disease type 1A. Last evaluated: 2018-01-13. Review status: criteria provided, single submitter. Criteria: ICSL Variant Classification Criteria 13 December 2019. Collection method: clinical testing. Allele origin: germline.
Comment: This variant was observed in the ICSL laboratory as part of a predisposition screen in an ostensibly healthy population. It had not been previously curated by ICSL or reported in the Human Gene Mutation Database (HGMD: prior to June 1st, 2018), and was therefore a candidate for classification through an automated scoring system. Utilizing variant allele frequency, disease prevalence and penetrance estimates, and inheritance mode, an automated score was calculated to assess if this variant is too frequent to cause the disease. Based on the score and internal cut-off values, a variant classified as likely benign is not then subjected to further curation. The score for this variant resulted in a classification of likely benign for this disease.

Natera, Inc.
Classification: Benign for Maple syrup urine disease type 1A. Last evaluated: 2019-12-16. Review status: no assertion criteria provided. Collection method: clinical testing. Allele origin: germline. Not counted in ClinVar's aggregate classification.